The following is an entry in ClinVar:

NM_018006.5(TRMU):c.903C>G (p.Tyr301Ter)

Gene: TRMU (tRNA mitochondrial 2-thiouridylase; plus strand). Cytogenetic location: 22q13.31.
Variant type: single nucleotide variant.
Coding change: c.903C>G on transcript NM_018006.5 (MANE Select); coding-DNA position 903, C replaced by G.
Protein change: p.Tyr301Ter; replaces tyrosine 301 with a stop codon.
Molecular consequence: nonsense. On other transcripts: non-coding transcript variant (2).
Genome position (GRCh38, 1-based): chr22:46,355,473, C>G. VCF-style: chr22-46355473-C-G. GRCh37 (hg19) VCF-style: chr22-46751370-C-G.
Other names: c.561C>G, p.Tyr187Ter (NM_001282782.2); c.483C>G, p.Tyr161Ter (NM_001282783.2, NM_001282784.2); c.903C>G, p.Tyr301Ter (NM_001282785.2); short protein forms Y161*, Y301*, Y187*.
Identifiers: ClinVar variation 4991930 (VCV004991930.1).

ClinVar aggregate classification (germline): Likely pathogenic (1 of 4 stars; one submission).

Conditions:
TRMU-related disorder. Also called: TRMU-related condition.

gnomAD v4.1: 2 of 1,613,158 alleles (0.00012%); highest among the groups gnomAD compares: Non-Finnish European, 0.00017%; no homozygotes.

Submission:

PreventionGenetics, part of Exact Sciences
Classification: Likely pathogenic for TRMU-related condition. Last evaluated: 2026-08-21. Review status: criteria provided, single submitter. Criteria: ACMG Guidelines, 2015. Collection method: clinical testing. Allele origin: germline.
Comment: The TRMU c.903C>G variant is predicted to result in premature protein termination (p.Tyr301*). To our knowledge, this variant has not been reported in the literature or in a large population database (gnomAD), indicating this variant is rare. Nonsense variants in TRMU are expected to be pathogenic. This variant is interpreted as likely pathogenic.